The following is an entry in ClinVar:

NM_015512.5(DNAH1):c.12380C>T (p.Thr4127Ile)

Gene: DNAH1 (dynein axonemal heavy chain 1; plus strand). Cytogenetic location: 3p21.1.
Variant type: single nucleotide variant.
Coding change: c.12380C>T on transcript NM_015512.5 (MANE Select); coding-DNA position 12380, C replaced by T.
Protein change: p.Thr4127Ile; replaces threonine 4127 with isoleucine.
Molecular consequence: missense variant.
Genome position (GRCh38, 1-based): chr3:52,399,140, C>T. VCF-style: chr3-52399140-C-T. GRCh37 (hg19) VCF-style: chr3-52433156-C-T.
Other names: short protein forms T4127I.
Identifiers: ClinVar variation 1429125 (VCV001429125.7), dbSNP rs548795920, ClinGen allele CA2436467.
Genomic context (GRCh38, chr3:52,399,140, plus strand): 5'-GCATCCCAGCTGTCTTCTGGATCAGTGGATTCTTCTTCCCCCAGGCTTTCTTAACAGGCA[C>T]TCTGCAGAATTTTGCCCGCAAATTTGTCATCTCCATTGACACCATCTCCTTTGATTTCAA-3'
Protein context (NP_056327.4, residues 4117-4137): FFFPQAFLTG[Thr4127Ile]LQNFARKFVI

ClinVar aggregate classification (germline): Uncertain significance (1 of 4 stars; one submission).

Conditions:
Spermatogenic failure 18. Identifiers: MedGen C4539783, MONDO:0054615, OMIM 617576.
Ciliary dyskinesia, primary, 37 (CILD37). Also called: CILIARY DYSKINESIA, PRIMARY, 37, WITH OR WITHOUT SITUS INVERSUS. Identifiers: MedGen C4539798, MONDO:0033204, OMIM 617577.

gnomAD v4.1: 6 of 1,613,828 alleles (0.00037%); highest among the groups gnomAD compares: African/African-American, 0.004%; no homozygotes.

Submission:

Labcorp Genetics (formerly Invitae), Labcorp
Classification: Uncertain significance for Ciliary dyskinesia, primary, 37; Spermatogenic failure 18. Last evaluated: 2022-02-09. Review status: criteria provided, single submitter. Criteria: Invitae Variant Classification Sherloc (09022015). Collection method: clinical testing. Allele origin: germline.
Comment: In summary, the available evidence is currently insufficient to determine the role of this variant in disease. Therefore, it has been classified as a Variant of Uncertain Significance. Algorithms developed to predict the effect of missense changes on protein structure and function are either unavailable or do not agree on the potential impact of this missense change (SIFT: "Deleterious"; PolyPhen-2: "Possibly Damaging"; Align-GVGD: "Class C0"). This variant has not been reported in the literature in individuals affected with DNAH1-related conditions. This variant is present in population databases (rs548795920, gnomAD 0.02%). This sequence change replaces threonine, which is neutral and polar, with isoleucine, which is neutral and non-polar, at codon 4127 of the DNAH1 protein (p.Thr4127Ile).